The following is an entry in ClinVar:

ClinVar aggregate classification (germline): Likely pathogenic (1 of 4 stars; one submission).

Submission:

Clinical Genomics Laboratory, Laboratory for Precision Diagnostics, University of Washington
Classification: Likely pathogenic. Last evaluated: 2019-12-20. Review status: criteria provided, single submitter. Criteria: Clinical Cytogenomics Laboratory Policy on CNV Interpretation. Collection method: clinical testing. Allele origin: unknown. Affected: yes. Observed: 1 variant allele.

Literature cited by the submitters: PubMed 21147883; PubMed 26040210; PubMed 26984564; PubMed 1953380; PubMed 27073233; PubMed 20655035.

GRCh37/hg19 Xp22.33(chrX:434857-979904)x3

Variant type: copy number gain.
Change: copy number 3 of chrX:434,857-979,904 (545.0 kb, GRCh37 coordinates, 1-based), cytogenetic band Xp22.33.
Identifiers: ClinVar variation 929383 (VCV000929383.2).